The following is an entry in ClinVar:

NM_000038.6(APC):c.641C>T (p.Ala214Val)

Gene: APC (APC regulator of Wnt signaling pathway; plus strand). Cytogenetic location: 5q22.2.
Variant type: single nucleotide variant.
Coding change: c.641C>T on transcript NM_000038.6 (MANE Select); coding-DNA position 641, C replaced by T.
Protein change: p.Ala214Val; replaces alanine 214 with valine.
Molecular consequence: missense variant. On other transcripts: 5 prime UTR variant (4), non-coding transcript variant (2).
Genome position (GRCh38, 1-based): chr5:112,780,899, C>T. VCF-style: chr5-112780899-C-T. GRCh37 (hg19) VCF-style: chr5-112116596-C-T.
Other names: c.641C>T, p.Ala214Val (NM_001127510.3, NM_001354895.2, NM_001354896.2 and 16 more transcripts); c.671C>T, p.Ala224Val (NM_001127511.3, NM_001354897.2, NM_001354902.2 and 1 more transcripts); c.566C>T, p.Ala189Val (NM_001354898.2, NM_001354904.2, NM_001407451.1); c.464C>T, p.Ala155Val (NM_001354900.2, NM_001354901.2, NM_001354905.2 and 1 more transcripts); c.-395C>T (NM_001354906.2, NM_001407470.1, NM_001407471.1 and 1 more transcripts); short protein forms A214V, A155V, A189V, A224V.
Identifiers: ClinVar variation 3880906 (VCV003880906.1).

ClinVar aggregate classification (germline): Uncertain significance (1 of 4 stars; one submission).

Conditions:
Hereditary cancer-predisposing syndrome. Also called: Tumor predisposition; Neoplastic Syndromes, Hereditary; Hereditary Cancer Syndrome; Hereditary neoplastic syndrome. Identifiers: Orphanet 140162, MedGen C0027672, MeSH D009386, MONDO:0015356.

Submission:

Ambry Genetics
Classification: Uncertain significance for Hereditary cancer-predisposing syndrome. Last evaluated: 2025-03-05. Review status: criteria provided, single submitter. Criteria: Ambry Variant Classification Scheme 2023. Collection method: clinical testing. Allele origin: germline.
Comment: The p.A214V variant (also known as c.641C>T), located in coding exon 5 of the APC gene, results from a C to T substitution at nucleotide position 641. The alanine at codon 214 is replaced by valine, an amino acid with similar properties. Missense alterations in APC are not a common cause of disease (Spier I et al. Genet Med. 2024 Feb;26(2):100992). This amino acid position is highly conserved in available vertebrate species. In addition, in silico predictors for this gene do not accurately predict pathogenicity. Based on the available evidence, the clinical significance of this variant remains unclear.